The following is an entry in ClinVar:

ClinVar aggregate classification (germline): Uncertain significance (1 of 4 stars; one submission).

Conditions:
EGFR-related lung cancer (EGFR). Identifiers: MedGen CN130014.

Submission:

Labcorp Genetics (formerly Invitae), Labcorp
Classification: Uncertain significance for EGFR-related lung cancer. Last evaluated: 2025-05-28. Review status: criteria provided, single submitter. Criteria: Invitae Variant Classification Sherloc (09022015). Collection method: clinical testing. Allele origin: germline.
Comment: This sequence change replaces asparagine, which is neutral and polar, with aspartic acid, which is acidic and polar, at codon 271 of the EGFR protein (p.Asn271Asp). This variant is not present in population databases (gnomAD no frequency). This variant has not been reported in the literature in individuals affected with EGFR-related conditions. ClinVar contains an entry for this variant (Variation ID: 1438013). Invitae Evidence Modeling of protein sequence and biophysical properties (such as structural, functional, and spatial information, amino acid conservation, physicochemical variation, residue mobility, and thermodynamic stability) indicates that this missense variant is not expected to disrupt EGFR protein function with a negative predictive value of 80%. In summary, the available evidence is currently insufficient to determine the role of this variant in disease. Therefore, it has been classified as a Variant of Uncertain Significance.

NM_005228.5(EGFR):c.811A>G (p.Asn271Asp)

Gene: EGFR (epidermal growth factor receptor; plus strand). Cytogenetic location: 7p11.2.
Variant type: single nucleotide variant.
Coding change: c.811A>G on transcript NM_005228.5 (MANE Select); coding-DNA position 811, A replaced by G.
Protein change: p.Asn271Asp; replaces asparagine 271 with aspartic acid.
Molecular consequence: missense variant. On other transcripts: intron variant (1).
Genome position (GRCh38, 1-based): chr7:55,154,074, A>G. VCF-style: chr7-55154074-A-G. GRCh37 (hg19) VCF-style: chr7-55221767-A-G.
Other names: c.676A>G, p.Asn226Asp (NM_001346897.2, NM_001346899.2); c.811A>G, p.Asn271Asp (NM_001346898.2, NM_201282.2, NM_201283.2 and 1 more transcripts); c.652A>G, p.Asn218Asp (NM_001346900.2); c.89-1756A>G (NM_001346941.2); short protein forms N271D, N226D, N218D.
Identifiers: ClinVar variation 1438013 (VCV001438013.6), dbSNP rs2128934988, ClinGen allele CA367577722.
Genomic context (GRCh38, chr7:55,154,074, plus strand): 5'-TGCCGCAAATTCCGAGACGAAGCCACGTGCAAGGACACCTGCCCCCCACTCATGCTCTAC[A>G]ACCCCACCACGTACCAGATGGATGTGAACCCCGAGGGCAAATACAGCTTTGGTGCCACCT-3'
Protein context (NP_005219.2, residues 261-281): KDTCPPLMLY[Asn271Asp]PTTYQMDVNP